The following is an entry in ClinVar:

ClinVar aggregate classification (germline): Uncertain significance (1 of 4 stars; one submission).

Conditions:
Cutis laxa, autosomal dominant 3 (ADCL3). Identifiers: Orphanet 90348, MedGen C4225268, MONDO:0014706, OMIM 616603.
Autosomal dominant spastic paraplegia type 9. Identifiers: MedGen C1832669, MONDO:0015091.
de Barsy syndrome. Also called: Cutis laxa-corneal clouding-oligophrenia syndrome. Identifiers: Orphanet 2962, MedGen C0268354, MONDO:0017569.

Submission:

Labcorp Genetics (formerly Invitae), Labcorp
Classification: Uncertain significance for Autosomal dominant spastic paraplegia type 9; de Barsy syndrome; Cutis laxa, autosomal dominant 3. Last evaluated: 2025-12-16. Review status: criteria provided, single submitter. Criteria: Invitae Variant Classification Sherloc (09022015). Collection method: clinical testing. Allele origin: germline.
Comment: This sequence change replaces leucine, which is neutral and non-polar, with valine, which is neutral and non-polar, at codon 519 of the ALDH18A1 protein (p.Leu519Val). This variant is not present in population databases (gnomAD no frequency). This variant has not been reported in the literature in individuals affected with ALDH18A1-related conditions. Invitae Evidence Modeling of protein sequence and biophysical properties (such as structural, functional, and spatial information, amino acid conservation, physicochemical variation, residue mobility, and thermodynamic stability) has been performed for this missense variant. However, the output from this modeling did not meet the statistical confidence thresholds required to predict the impact of this variant on ALDH18A1 protein function. In summary, the available evidence is currently insufficient to determine the role of this variant in disease. Therefore, it has been classified as a Variant of Uncertain Significance.

NM_002860.4(ALDH18A1):c.1555C>G (p.Leu519Val)

Gene: ALDH18A1 (aldehyde dehydrogenase 18 family member A1; minus strand). Cytogenetic location: 10q24.1.
Variant type: single nucleotide variant.
Coding change: c.1555C>G on transcript NM_002860.4 (MANE Select); coding-DNA position 1555, C replaced by G.
Protein change: p.Leu519Val; replaces leucine 519 with valine.
Molecular consequence: missense variant.
Genome position (GRCh38, 1-based): chr10:95,616,527, G>C on the plus strand (C>G on the coding strand, the complement: ALDH18A1 is on the minus strand). VCF-style: chr10-95616527-G-C. GRCh37 (hg19) VCF-style: chr10-97376284-G-C.
Other names: c.1549C>G, p.Leu517Val (NM_001017423.2, NM_001323415.2); c.1222C>G, p.Leu408Val (NM_001323412.2, NM_001323416.2); c.1555C>G, p.Leu519Val (NM_001323413.2, NM_001323414.2); c.1450C>G, p.Leu484Val (NM_001323417.2); c.1216C>G, p.Leu406Val (NM_001323418.2); c.919C>G, p.Leu307Val (NM_001323419.2); short protein forms L307V, L519V, L517V, L406V, L408V, L484V.
Identifiers: ClinVar variation 4783427 (VCV004783427.1).